The following is an entry in ClinVar:

ClinVar aggregate classification (germline): Uncertain significance (1 of 4 stars; one submission).

Conditions:
Holoprosencephaly 4 (HPE4). Identifiers: Orphanet 2162, MedGen C1840528, MONDO:0007734, OMIM 142946.

Submission:

Labcorp Genetics (formerly Invitae), Labcorp
Classification: Uncertain significance for Holoprosencephaly 4. Last evaluated: 2023-04-17. Review status: criteria provided, single submitter. Criteria: Invitae Variant Classification Sherloc (09022015). Collection method: clinical testing. Allele origin: germline.
Comment: In summary, the available evidence is currently insufficient to determine the role of this variant in disease. Therefore, it has been classified as a Variant of Uncertain Significance. This variant is not present in population databases (gnomAD no frequency). ClinVar contains an entry for this variant (Variation ID: 1922279). Advanced modeling of protein sequence and biophysical properties (such as structural, functional, and spatial information, amino acid conservation, physicochemical variation, residue mobility, and thermodynamic stability) performed at Invitae indicates that this missense variant is not expected to disrupt TGIF1 protein function. This variant has not been reported in the literature in individuals affected with TGIF1-related conditions. This sequence change replaces phenylalanine, which is neutral and non-polar, with leucine, which is neutral and non-polar, at codon 132 of the TGIF1 protein (p.Phe132Leu).

NM_003244.4(TGIF1):c.396C>G (p.Phe132Leu)

Gene: TGIF1 (TGFB induced factor homeobox 1; plus strand). Cytogenetic location: 18p11.31.
Variant type: single nucleotide variant.
Coding change: c.396C>G on transcript NM_003244.4 (MANE Select); coding-DNA position 396, C replaced by G.
Protein change: p.Phe132Leu; replaces phenylalanine 132 with leucine.
Molecular consequence: missense variant.
Genome position (GRCh38, 1-based): chr18:3,457,517, C>G. VCF-style: chr18-3457517-C-G. GRCh37 (hg19) VCF-style: chr18-3457515-C-G.
Other names: c.405C>G, p.Phe135Leu (NM_001278682.2); c.396C>G, p.Phe132Leu (NM_001278684.2, NM_173208.3); c.336C>G, p.Phe112Leu (NM_001278686.3, NM_001374396.1, NM_001374397.1 and 5 more transcripts); c.438C>G, p.Phe146Leu (NM_173207.4); short protein forms F112L, F132L, F135L, F146L.
Identifiers: ClinVar variation 1922279 (VCV001922279.5), dbSNP rs1259445305, ClinGen allele CA401723440.